The following is an entry in ClinVar:

ClinVar aggregate classification (germline): Likely pathogenic (1 of 4 stars; one submission).

gnomAD v4.1: 1 of 1,613,994 alleles (0.000062%); highest among the groups gnomAD compares: Non-Finnish European, 0.000085%; no homozygotes.

Submission:

Centre for Mendelian Genomics, University Medical Centre Ljubljana
Classification: Likely pathogenic. Last evaluated: 2018-11-16. Review status: criteria provided, single submitter. Criteria: ACMG Guidelines, 2015. Collection method: clinical testing. Allele origin: unknown. Affected: yes.
Comment: This variant was classified as: Likely pathogenic. The following ACMG criteria were applied in classifying this variant: PM2,PM3,PM5,PP3.

NM_194318.4(B3GLCT):c.1177G>C (p.Gly393Arg)

Gene: B3GLCT (beta 3-glucosyltransferase; plus strand). Cytogenetic location: 13q12.3.
Variant type: single nucleotide variant.
Coding change: c.1177G>C on transcript NM_194318.4 (MANE Select); coding-DNA position 1177, G replaced by C.
Protein change: p.Gly393Arg; replaces glycine 393 with arginine.
Molecular consequence: missense variant.
Genome position (GRCh38, 1-based): chr13:31,317,678, G>C. VCF-style: chr13-31317678-G-C. GRCh37 (hg19) VCF-style: chr13-31891815-G-C.
Other names: short protein forms G393R.
Identifiers: ClinVar variation 930254 (VCV000930254.3), dbSNP rs776180719, ClinGen allele CA387819178.